The following is an entry in ClinVar:

ClinVar aggregate classification (germline): Conflicting classifications of pathogenicity. Review status: criteria provided, conflicting classifications (1 of 4 stars). 2 submissions from 2 submitters: Likely pathogenic (1); Uncertain significance (1). Last evaluated 2023-08-02.

Conditions:
Glycine encephalopathy. Also called: Non-ketotic hyperglycinemia; Nonketotic hyperglycinemia. Identifiers: Orphanet 407, MedGen C0751748, MONDO:0011612, HP:0008288.

Allele frequency attached by ClinVar (database versions not stated): gnomAD exomes below 0.00001; TOPMed 0.00001.
gnomAD v4.1: 1 of 1,614,044 alleles (0.000062%); highest among the groups gnomAD compares: Non-Finnish European, 0.000085%; no homozygotes.

Submissions (2):

Greenwood Genetic Center Diagnostic Laboratories, Greenwood Genetic Center
Classification: Likely pathogenic for Glycine encephalopathy 1. Last evaluated: 2023-08-02. Review status: criteria provided, single submitter. Criteria: ACMG Guidelines, 2015. Collection method: clinical testing. Allele origin: germline. Affected: yes.
Comment: PS3_Supporting, PM2, PM3, PP3

CeGaT Center for Human Genetics Tuebingen
Classification: Uncertain significance. Last evaluated: 2018-12-01. Review status: criteria provided, single submitter. Criteria: CeGaT Center For Human Genetics Tuebingen Variant Classification Criteria Version 2. Collection method: clinical testing. Allele origin: germline. Affected: yes. Observed: 1 variant allele.

NM_000170.3(GLDC):c.989A>G (p.His330Arg)

Gene: GLDC (glycine decarboxylase; minus strand). Cytogenetic location: 9p24.1.
Variant type: single nucleotide variant.
Coding change: c.989A>G on transcript NM_000170.3 (MANE Select); coding-DNA position 989, A replaced by G.
Protein change: p.His330Arg; replaces histidine 330 with arginine.
Molecular consequence: missense variant.
Genome position (GRCh38, 1-based): chr9:6,604,657, T>C on the plus strand (A>G on the coding strand, the complement: GLDC is on the minus strand). VCF-style: chr9-6604657-T-C. GRCh37 (hg19) VCF-style: chr9-6604657-T-C.
Other names: c.989A>G (NM_000170.2); short protein forms H330R.
Identifiers: ClinVar variation 810353 (VCV000810353.43), dbSNP rs1267445922, ClinGen allele CA372895543.